The following is an entry in ClinVar:

ClinVar aggregate classification (germline): Uncertain significance. Review status: criteria provided, multiple submitters, no conflicts (2 of 4 stars). 2 submissions from 2 submitters: Uncertain significance (2). Last evaluated 2025-10-14.

Conditions:
Nystagmus 6, congenital, X-linked (NYS6). Identifiers: MedGen C3151752, MONDO:0010435, OMIM 300814.

Allele frequency attached by ClinVar (database versions not stated): gnomAD exomes 0.00001 and 0.00002; TOPMed 0.00001.
gnomAD v4.1: 16 of 1,197,682 alleles (0.0013%); highest among the groups gnomAD compares: Non-Finnish European, 0.0018%; no homozygotes.

Submissions (2):

Labcorp Genetics (formerly Invitae), Labcorp
Classification: Uncertain significance. Last evaluated: 2025-10-14. Review status: criteria provided, single submitter. Criteria: Invitae Variant Classification Sherloc (09022015). Collection method: clinical testing. Allele origin: germline.
Comment: This sequence change replaces cysteine, which is neutral and slightly polar, with tyrosine, which is neutral and polar, at codon 316 of the GPR143 protein (p.Cys316Tyr). This variant is present in population databases (no rsID available, gnomAD 0.002%). This variant has not been reported in the literature in individuals affected with GPR143-related conditions. ClinVar contains an entry for this variant (Variation ID: 930593). Invitae Evidence Modeling of protein sequence and biophysical properties (such as structural, functional, and spatial information, amino acid conservation, physicochemical variation, residue mobility, and thermodynamic stability) has been performed for this missense variant. However, the output from this modeling did not meet the statistical confidence thresholds required to predict the impact of this variant on GPR143 protein function. In summary, the available evidence is currently insufficient to determine the role of this variant in disease. Therefore, it has been classified as a Variant of Uncertain Significance.

Centre for Mendelian Genomics, University Medical Centre Ljubljana
Classification: Uncertain significance for Nystagmus 6, congenital, X-linked. Last evaluated: 2019-09-16. Review status: criteria provided, single submitter. Criteria: ACMG Guidelines, 2015. Collection method: clinical testing. Allele origin: unknown. Affected: yes.
Comment: This variant was classified as: Uncertain significance. The available evidence on this variant's pathogenicity is insufficient or conflicting. The following ACMG criteria were applied in classifying this variant: PM2,PP3.

NM_000273.3(GPR143):c.947G>A (p.Cys316Tyr)

Gene: GPR143 (G protein-coupled receptor 143; minus strand). Cytogenetic location: Xp22.2.
Variant type: single nucleotide variant.
Coding change: c.947G>A on transcript NM_000273.3 (MANE Select); coding-DNA position 947, G replaced by A.
Protein change: p.Cys316Tyr; replaces cysteine 316 with tyrosine.
Molecular consequence: missense variant.
Genome position (GRCh38, 1-based): chrX:9,739,658, C>T on the plus strand (G>A on the coding strand, the complement: GPR143 is on the minus strand). VCF-style: chrX-9739658-C-T. GRCh37 (hg19) VCF-style: chrX-9707698-C-T.
Other names: short protein forms C316Y.
Identifiers: ClinVar variation 930593 (VCV000930593.6), dbSNP rs1348263627, ClinGen allele CA411995379.
Genomic context (GRCh38, chrX:9,739,658, plus strand): 5'-GCCGAGGTGGTCAGTGATTCCCACTGGATCTCCTTCCTGGGAGACTGAAAACCCAGGCTG[C>T]ATCCTGTCCAGCCGTAGAAGGCCAAAGACAAGAGAAATCCCTGGGCTGGATTCAGGATTC-3'
Protein context (NP_000264.2, residues 306-326): LSLAFYGWTG[Cys316Tyr]SLGFQSPRKE